The following is an entry in ClinVar:

NM_001377142.1(PLCB4):c.3397G>A (p.Glu1133Lys)

Gene: PLCB4 (phospholipase C beta 4; plus strand). Cytogenetic location: 20p12.2.
Variant type: single nucleotide variant.
Coding change: c.3397G>A on transcript NM_001377142.1 (MANE Select); coding-DNA position 3397, G replaced by A.
Protein change: p.Glu1133Lys; replaces glutamic acid 1133 with lysine.
Molecular consequence: missense variant.
Genome position (GRCh38, 1-based): chr20:9,472,836, G>A. VCF-style: chr20-9472836-G-A. GRCh37 (hg19) VCF-style: chr20-9453483-G-A.
Other names: c.3361G>A, p.Glu1121Lys (NM_000933.4, NM_001377134.2, NM_001377135.1 and 2 more transcripts); c.3397G>A, p.Glu1133Lys (NM_001172646.2, NM_001377143.1); short protein forms E1121K, E1133K.
Identifiers: ClinVar variation 4532516 (VCV004532516.1).

ClinVar aggregate classification (germline): Uncertain significance (1 of 4 stars; one submission).

Submission:

GeneDx
Classification: Uncertain significance. Last evaluated: 2025-05-27. Review status: criteria provided, single submitter. Criteria: GeneDx Variant Classification Process June 2021. Collection method: clinical testing. Allele origin: germline. Affected: yes.
Comment: Not observed at significant frequency in large population cohorts (gnomAD); In silico analysis supports that this missense variant has a deleterious effect on protein structure/function; Has not been previously published as pathogenic or benign to our knowledge